The following is an entry in ClinVar:

ClinVar aggregate classification (germline): Uncertain significance (1 of 4 stars; one submission).

Conditions:
Autosomal dominant hypocalcemia 1 (HYPOC1). Also called: HYPOCALCEMIA, FAMILIAL. Identifiers: MedGen C3715128, MONDO:0011013, OMIM 601198.

Submission:

3billion
Classification: Uncertain significance for Autosomal dominant hypocalcemia 1. Last evaluated: 2024-12-18. Review status: criteria provided, single submitter. Criteria: ACMG Guidelines, 2015. Collection method: clinical testing. Allele origin: germline. Affected: yes.
Comment: The variant is not observed in the gnomAD v4.1.0 dataset. Predicted Consequence/Location: Missense variant In silico tool predictions suggest damaging effect of the variant on gene or gene product [REVEL: 0.73 (>=0.6, sensitivity 0.68 and specificity 0.92); 3Cnet: 0.99 (>=0.6, sensitivity 0.72 and precision 0.9)]. A different missense change at the same codon (p.Ala110Thr) has been reported to be associated with CASR-related disorder (PMID: 23966241). However, the evidence of pathogenicity is insufficient at this time. Therefore, this variant is classified as VUS according to the recommendation of ACMG/AMP guideline.

Literature cited by the submitters: PubMed 23966241.

NM_000388.4(CASR):c.329C>G (p.Ala110Gly)

Gene: CASR (calcium sensing receptor; plus strand). Cytogenetic location: 3q21.1.
Variant type: single nucleotide variant.
Coding change: c.329C>G on transcript NM_000388.4 (MANE Select); coding-DNA position 329, C replaced by G.
Protein change: p.Ala110Gly; replaces alanine 110 with glycine.
Molecular consequence: missense variant.
Genome position (GRCh38, 1-based): chr3:122,257,224, C>G. VCF-style: chr3-122257224-C-G. GRCh37 (hg19) VCF-style: chr3-121976071-C-G.
Other names: c.329C>G, p.Ala110Gly (NM_001178065.2); short protein forms A110G.
Identifiers: ClinVar variation 4293364 (VCV004293364.1).